The following is an entry in ClinVar:

NM_138694.4(PKHD1):c.1418T>G (p.Ile473Ser)

Gene: PKHD1 (PKHD1 ciliary IPT domain containing fibrocystin/polyductin; minus strand). Cytogenetic location: 6p12.2.
Variant type: single nucleotide variant.
Coding change: c.1418T>G on transcript NM_138694.4 (MANE Select); coding-DNA position 1418, T replaced by G.
Protein change: p.Ile473Ser; replaces isoleucine 473 with serine.
Molecular consequence: missense variant.
Genome position (GRCh38, 1-based): chr6:52,058,417, A>C on the plus strand (T>G on the coding strand, the complement: PKHD1 is on the minus strand). VCF-style: chr6-52058417-A-C. GRCh37 (hg19) VCF-style: chr6-51923215-A-C.
Other names: c.1418T>G, p.Ile473Ser (NM_170724.3); short protein forms I473S.
Identifiers: ClinVar variation 2136421 (VCV002136421.4), dbSNP rs2533368902, ClinGen allele CA364426503.
Genomic context (GRCh38, chr6:52,058,417, plus strand): 5'-ATCTGGTGCTTCTCCCGTAGGTAAGTGGTGACCACATCAGGATTCAGCCAGGTGTTGTGA[A>C]TCTGGACACCAATCCTCATCCCCCTGCTTGGGGCTATCCCATGATGCTCTGCTTCCAGGT-3'
Protein context (NP_619639.3, residues 463-483): PSRGMRIGVQ[Ile473Ser]HNTWLNPDVV

ClinVar aggregate classification (germline): Likely pathogenic (1 of 4 stars; one submission).

Conditions:
Autosomal recessive polycystic kidney disease (ARPKD). Also called: AR polycystic kidney disease. Identifiers: Orphanet 731, Orphanet 8378, MedGen C0085548, MeSH D017044, MONDO:0009889.

Submission:

Labcorp Genetics (formerly Invitae), Labcorp
Classification: Likely pathogenic for Autosomal recessive polycystic kidney disease. Last evaluated: 2025-10-06. Review status: criteria provided, single submitter. Criteria: Invitae Variant Classification Sherloc (09022015). Collection method: clinical testing. Allele origin: germline.
Comment: This sequence change replaces isoleucine, which is neutral and non-polar, with serine, which is neutral and polar, at codon 473 of the PKHD1 protein (p.Ile473Ser). This variant is not present in population databases (gnomAD no frequency). This missense change has been observed in individuals with autosomal recessive polycystic kidney disease (PMID: 12506140, 15698423). ClinVar contains an entry for this variant (Variation ID: 2136421). Invitae Evidence Modeling of protein sequence and biophysical properties (such as structural, functional, and spatial information, amino acid conservation, physicochemical variation, residue mobility, and thermodynamic stability) indicates that this missense variant is expected to disrupt PKHD1 protein function with a positive predictive value of 95%. In summary, the currently available evidence indicates that the variant is pathogenic, but additional data are needed to prove that conclusively. Therefore, this variant has been classified as Likely Pathogenic.

Literature cited by the submitters: PubMed 12506140; PubMed 15698423.